The following is an entry in ClinVar:

ClinVar aggregate classification (germline): Uncertain significance. Review status: criteria provided, multiple submitters, no conflicts (2 of 4 stars). 5 submissions from 5 submitters: Uncertain significance (4). 1 of the submissions does not count toward it. Last evaluated 2026-09-01.

Conditions:
Nemaline myopathy 2 (NEM2). Also called: Nemaline myopathy 2, autosomal recessive. Identifiers: MedGen C1850569, MONDO:0009725, OMIM 256030.
Inborn genetic diseases. Identifiers: MedGen C0950123, MeSH D030342.

Allele frequency attached by ClinVar (database versions not stated): gnomAD exomes 0.00002 and 0.00006; TOPMed 0.00005.
gnomAD v4.1: 86 of 1,613,542 alleles (0.0053%); highest among the groups gnomAD compares: Non-Finnish European, 0.0066%; no homozygotes.

Submissions (5):

Myriad Genetics, Inc.
Classification: Uncertain significance for Nemaline myopathy 2. Last evaluated: 2026-09-01. Review status: criteria provided, single submitter. Criteria: Myriad Autosomal Dominant, Autosomal Recessive and X-Linked Classification Criteria (2023). Collection method: clinical testing. Allele origin: unknown.
Comment: NM_001271208.1(NEB):c.6967C>T(R2323W) is a missense variant classified as a variant of uncertain significance in the context of NEB-related nemaline myopathy. R2323W has not been observed in cases with relevant disease. Relevant functional assessments of this variant are not available in the literature. R2323W has been observed in referenced population frequency databases. In summary, there is insufficient evidence to classify NM_001271208.1(NEB):c.6967C>T(R2323W) as pathogenic or benign. Please note: this variant was assessed in the context of healthy population screening.

Ambry Genetics
Classification: Uncertain significance for Inborn genetic diseases. Last evaluated: 2024-05-07. Review status: criteria provided, single submitter. Criteria: Ambry Variant Classification Scheme 2023. Collection method: clinical testing. Allele origin: germline.

Labcorp Genetics (formerly Invitae), Labcorp
Classification: Uncertain significance for Nemaline myopathy 2. Last evaluated: 2022-02-03. Review status: criteria provided, single submitter. Criteria: Invitae Variant Classification Sherloc (09022015). Collection method: clinical testing. Allele origin: germline.
Comment: This sequence change replaces arginine, which is basic and polar, with tryptophan, which is neutral and slightly polar, at codon 2323 of the NEB protein (p.Arg2323Trp). This variant is present in population databases (no rsID available, gnomAD 0.004%). This variant has not been reported in the literature in individuals affected with NEB-related conditions. ClinVar contains an entry for this variant (Variation ID: 966029). Algorithms developed to predict the effect of missense changes on protein structure and function are either unavailable or do not agree on the potential impact of this missense change (SIFT: "Deleterious"; PolyPhen-2: "Not Available"; Align-GVGD: "Class C0"). In summary, the available evidence is currently insufficient to determine the role of this variant in disease. Therefore, it has been classified as a Variant of Uncertain Significance.

Revvity Omics, Revvity
Classification: Uncertain significance. Last evaluated: 2019-08-28. Review status: criteria provided, single submitter. Criteria: ACMG Guidelines, 2015. Collection method: clinical testing. Allele origin: germline.

Natera, Inc.
Classification: Uncertain significance for Nemaline myopathy type 2. Last evaluated: 2020-06-25. Review status: no assertion criteria provided. Collection method: clinical testing. Allele origin: germline. Not counted in ClinVar's aggregate classification.

NM_001164508.2(NEB):c.6967C>T (p.Arg2323Trp)

Gene: NEB (nebulin; minus strand). Cytogenetic location: 2q23.3.
Variant type: single nucleotide variant.
Coding change: c.6967C>T on transcript NM_001164508.2 (MANE Select); coding-DNA position 6967, C replaced by T.
Protein change: p.Arg2323Trp; replaces arginine 2323 with tryptophan.
Molecular consequence: missense variant.
Genome position (GRCh38, 1-based): chr2:151,650,834, G>A on the plus strand (C>T on the coding strand, the complement: NEB is on the minus strand). VCF-style: chr2-151650834-G-A. GRCh37 (hg19) VCF-style: chr2-152507348-G-A.
Other names: c.6967C>T (NM_004543.4); c.6967C>T, p.Arg2323Trp (NM_001164507.2, NM_001271208.2, NM_004543.5); short protein forms R2323W.
Identifiers: ClinVar variation 966029 (VCV000966029.12), dbSNP rs1204576083, ClinGen allele CA348791065.